The following is an entry in ClinVar:

NM_002143.3(HPCA):c.379-3C>T

Gene: HPCA (hippocalcin; plus strand). Cytogenetic location: 1p35.1.
Variant type: single nucleotide variant.
Coding change: c.379-3C>T on transcript NM_002143.3 (MANE Select); 3 bases into the intron before coding-DNA position 379, C replaced by T.
Molecular consequence: intron variant.
Genome position (GRCh38, 1-based): chr1:32,893,521, C>T. VCF-style: chr1-32893521-C-T. GRCh37 (hg19) VCF-style: chr1-33359122-C-T.
Identifiers: ClinVar variation 1944765 (VCV001944765.5), dbSNP rs373435512, ClinGen allele CA745922.
Genomic context (GRCh38, chr1:32,893,521, plus strand): 5'-GAATCTTGCGGGTGGGGGCTCGGGCAGGCTCCTCTCACTCCCCGCCTCCCCTCCCGCCCC[C>T]AGGCCATTTACAAGATGGTTTCGTCCGTGATGAAGATGCCGGAGGACGAGTCGACCCCGG-3'

ClinVar aggregate classification (germline): Uncertain significance (1 of 4 stars; one submission).

Allele frequency attached by ClinVar (database versions not stated): gnomAD exomes below 0.00001; TOPMed below 0.00001; gnomAD 0.00001; ExAC 0.00002; ESP Exome Variant Server 0.00008.
gnomAD v4.1: 2 of 1,608,436 alleles (0.00012%); highest among the groups gnomAD compares: Non-Finnish European, 0.00017%; no homozygotes.

Submission:

Labcorp Genetics (formerly Invitae), Labcorp
Classification: Uncertain significance. Last evaluated: 2023-11-27. Review status: criteria provided, single submitter. Criteria: Invitae Variant Classification Sherloc (09022015). Collection method: clinical testing. Allele origin: germline.
Comment: This sequence change falls in intron 2 of the HPCA gene. It does not directly change the encoded amino acid sequence of the HPCA protein. It affects a nucleotide within the consensus splice site. This variant is present in population databases (rs373435512, gnomAD 0.002%). This variant has not been reported in the literature in individuals affected with HPCA-related conditions. ClinVar contains an entry for this variant (Variation ID: 1944765). Variants that disrupt the consensus splice site are a relatively common cause of aberrant splicing (PMID: 17576681, 9536098). Algorithms developed to predict the effect of sequence changes on RNA splicing suggest that this variant is not likely to affect RNA splicing. In summary, the available evidence is currently insufficient to determine the role of this variant in disease. Therefore, it has been classified as a Variant of Uncertain Significance.

Literature cited by the submitters: PubMed 17576681; PubMed 9536098.